The following is an entry in ClinVar:

NM_020765.3(UBR4):c.4707A>G (p.Lys1569=)

Gene: UBR4 (ubiquitin protein ligase E3 component n-recognin 4; minus strand). Cytogenetic location: 1p36.13.
Variant type: single nucleotide variant.
Coding change: c.4707A>G on transcript NM_020765.3 (MANE Select); coding-DNA position 4707, A replaced by G.
Protein change: p.Lys1569=; no amino-acid change (lysine 1569 retained).
Molecular consequence: synonymous variant.
Genome position (GRCh38, 1-based): chr1:19,163,821, T>C on the plus strand (A>G on the coding strand, the complement: UBR4 is on the minus strand). VCF-style: chr1-19163821-T-C. GRCh37 (hg19) VCF-style: chr1-19490315-T-C.
Identifiers: ClinVar variation 3034779 (VCV003034779.2), dbSNP rs766411507, ClinGen allele CA650753.

ClinVar aggregate classification (germline): Likely benign (0 of 4 stars; one submission).

Conditions:
UBR4-related disorder. Also called: UBR4-related condition.

Allele frequency attached by ClinVar (database versions not stated): gnomAD 0.00001; TOPMed 0.00002; ExAC 0.00004; gnomAD exomes 0.00006.
gnomAD v4.1: 95 of 1,614,092 alleles (0.0059%); highest among the groups gnomAD compares: Middle Eastern, 0.59%; 1 homozygote.

Submission:

PreventionGenetics, part of Exact Sciences
Classification: Likely benign for UBR4-related condition. Last evaluated: 2019-02-21. Review status: no assertion criteria provided. Collection method: clinical testing. Allele origin: germline.
Comment: This variant is classified as likely benign based on ACMG/AMP sequence variant interpretation guidelines (Richards et al. 2015 PMID: 25741868, with internal and published modifications).